The following is an entry in ClinVar:

NM_000212.3(ITGB3):c.92_93del (p.Cys31fs)

Gene: ITGB3 (integrin subunit beta 3; plus strand). Cytogenetic location: 17q21.32.
Variant type: Deletion.
Coding change: c.92_93del on transcript NM_000212.3 (MANE Select); coding-DNA positions 92 to 93, 2 bases deleted (GT; older notation c.92_93delGT).
Protein change: p.Cys31fs; shifts the reading frame from cysteine 31.
Molecular consequence: frameshift variant.
Genome position (GRCh38, 1-based): chr17:47,274,431-47,274,432, GT deleted; deleting any 2 consecutive bases within chr17:47,274,430-47,274,432 gives the same sequence; the c. name uses the placement nearest the transcript's 3' end. VCF-style (leftmost placement, unchanged base first): chr17-47274429-CTG-C. GRCh37 (hg19) VCF-style: chr17-45351795-CTG-C.
Other names: p.Cys31Tyrfs*23; c.92_93delGT, p.Cys31Tyrfs (NM_000212.2); c.92_93delGT (NM_000212.3); short protein forms C31fs.
Identifiers: ClinVar variation 2428170 (VCV002428170.9), dbSNP rs2547613531, ClinGen allele CA2580094037.

ClinVar aggregate classification (germline): Pathogenic/Likely pathogenic. Review status: criteria provided, multiple submitters, no conflicts (2 of 4 stars). 3 submissions from 3 submitters: Pathogenic (2); Likely pathogenic (1). Last evaluated 2025-01-13.

Conditions:
Glanzmann thrombasthenia 2. Also called: BLEEDING DISORDER, PLATELET-TYPE, 23. Identifiers: MedGen C5543273, MONDO:0031009, OMIM 619267.

Submissions (3):

Women's Health and Genetics/Laboratory Corporation of America, LabCorp
Classification: Pathogenic for Glanzmann thrombasthenia 2. Last evaluated: 2025-01-13. Review status: criteria provided, single submitter. Criteria: LabCorp Variant Classification Summary - May 2015. Collection method: clinical testing. Allele origin: germline.
Comment: Variant summary: ITGB3 c.92_93delGT (p.Cys31TyrfsX23) results in a premature termination codon, predicted to cause a truncation of the encoded protein or absence of the protein due to nonsense mediated decay, which are commonly known mechanisms for disease. The variant was absent in 250636 control chromosomes. To our knowledge, no occurrence of c.92_93delGT in individuals affected with Glanzmann Thrombasthenia 2 and no experimental evidence demonstrating its impact on protein function have been reported. ClinVar contains an entry for this variant (Variation ID: 2428170). Based on the evidence outlined above, the variant was classified as pathogenic.

Mayo Clinic Laboratories, Mayo Clinic
Classification: Likely pathogenic. Last evaluated: 2024-01-11. Review status: criteria provided, single submitter. Criteria: ACMG Guidelines, 2015. Collection method: clinical testing. Allele origin: germline. Observed: 1 variant allele.
Comment: PM2_moderate, PVS1

Labcorp Genetics (formerly Invitae), Labcorp
Classification: Pathogenic. Last evaluated: 2022-06-30. Review status: criteria provided, single submitter. Criteria: Invitae Variant Classification Sherloc (09022015). Collection method: clinical testing. Allele origin: germline.
Comment: This sequence change creates a premature translational stop signal (p.Cys31Tyrfs*23) in the ITGB3 gene. It is expected to result in an absent or disrupted protein product. Loss-of-function variants in ITGB3 are known to be pathogenic (PMID: 21917754). For these reasons, this variant has been classified as Pathogenic. This variant has not been reported in the literature in individuals affected with ITGB3-related conditions. This variant is not present in population databases (gnomAD no frequency).

Literature cited by the submitters: PubMed 21917754 (cited by Labcorp Genetics (formerly Invitae), Labcorp).